The following is an entry in ClinVar:

NM_001083961.2(WDR62):c.1487G>A (p.Arg496Gln)

Gene: WDR62 (WD repeat domain 62; plus strand). Cytogenetic location: 19q13.12.
Variant type: single nucleotide variant.
Coding change: c.1487G>A on transcript NM_001083961.2 (MANE Select); coding-DNA position 1487, G replaced by A.
Protein change: p.Arg496Gln; replaces arginine 496 with glutamine.
Molecular consequence: missense variant.
Genome position (GRCh38, 1-based): chr19:36,083,178, G>A. VCF-style: chr19-36083178-G-A. GRCh37 (hg19) VCF-style: chr19-36574080-G-A.
Other names: c.1472G>A, p.Arg491Gln (NM_001411145.1); c.1487G>A, p.Arg496Gln (NM_001411146.1, NM_173636.5); c.1136G>A, p.Arg379Gln (NM_001411147.1); short protein forms R379Q, R491Q, R496Q.
Identifiers: ClinVar variation 1927980 (VCV001927980.7), dbSNP rs760351175, ClinGen allele CA9395619.

ClinVar aggregate classification (germline): Conflicting classifications of pathogenicity. Review status: criteria provided, conflicting classifications (1 of 4 stars). 2 submissions from 2 submitters: Likely pathogenic (1); Uncertain significance (1). Last evaluated 2024-07-05.

Conditions:
Microcephaly 2, primary, autosomal recessive, with or without cortical malformations. Also called: MICROCEPHALY 2, PRIMARY, AUTOSOMAL RECESSIVE, WITH CORTICAL MALFORMATIONS; WDR62 Primary Microcephaly. Identifiers: Orphanet 2512, MedGen C1858535, MONDO:0011435, OMIM 604317.

Allele frequency attached by ClinVar (database versions not stated): gnomAD exomes 0.00002; gnomAD 0.00003; TOPMed 0.00003.
gnomAD v4.1: 28 of 1,611,620 alleles (0.0017%); highest among the groups gnomAD compares: East Asian, 0.0022%; no homozygotes.

Submissions (2):

Institute of Human Genetics, University of Leipzig Medical Center
Classification: Likely pathogenic for Microcephaly 2, primary, autosomal recessive, with or without cortical malformations. Last evaluated: 2024-07-05. Review status: criteria provided, single submitter. Criteria: ACMG Guidelines, 2015. Collection method: clinical testing. Allele origin: maternal. Inheritance: Autosomal recessive inheritance. Affected: yes.
Comment: Criteria applied: PM2,PM5, PM3

Labcorp Genetics (formerly Invitae), Labcorp
Classification: Uncertain significance. Last evaluated: 2022-03-16. Review status: criteria provided, single submitter. Criteria: Invitae Variant Classification Sherloc (09022015). Collection method: clinical testing. Allele origin: germline.
Comment: This sequence change replaces arginine, which is basic and polar, with glutamine, which is neutral and polar, at codon 496 of the WDR62 protein (p.Arg496Gln). The frequency data for this variant in the population databases is considered unreliable, as metrics indicate poor data quality at this position in the gnomAD database. This variant has not been reported in the literature in individuals affected with WDR62-related conditions. Algorithms developed to predict the effect of missense changes on protein structure and function are either unavailable or do not agree on the potential impact of this missense change (SIFT: "Tolerated"; PolyPhen-2: "Possibly Damaging"; Align-GVGD: "Class C0"). In summary, the available evidence is currently insufficient to determine the role of this variant in disease. Therefore, it has been classified as a Variant of Uncertain Significance.